The following is an entry in ClinVar:

NM_000862.3(HSD3B1):c.212G>T (p.Arg71Ile)

Gene: HSD3B1 (hydroxy-delta-5-steroid dehydrogenase, 3 beta- and steroid delta-isomerase 1; plus strand). Cytogenetic location: 1p12.
Variant type: single nucleotide variant.
Coding change: c.212G>T on transcript NM_000862.3 (MANE Select); coding-DNA position 212, G replaced by T.
Protein change: p.Arg71Ile; replaces arginine 71 with isoleucine.
Molecular consequence: missense variant.
Genome position (GRCh38, 1-based): chr1:119,511,569, G>T. VCF-style: chr1-119511569-G-T. GRCh37 (hg19) VCF-style: chr1-120054192-G-T.
Other names: c.212G>T, p.Arg71Ile (NM_001328615.1); short protein forms R71I.
Identifiers: ClinVar variation 3387985 (VCV003387985.14).

ClinVar aggregate classification (germline): Likely benign (1 of 4 stars; one submission).

gnomAD v4.1: 10,963 of 1,613,798 alleles (0.68%); highest among the groups gnomAD compares: Non-Finnish European, 0.85%; 42 homozygotes.

Submission:

CeGaT Center for Human Genetics Tuebingen
Classification: Likely benign. Last evaluated: 2025-04-01. Review status: criteria provided, single submitter. Criteria: CeGaT Center For Human Genetics Tuebingen Variant Classification Criteria Version 2. Collection method: clinical testing. Allele origin: germline. Affected: yes. Observed: 3 variant alleles.
Comment: HSD3B1: BS2